The following is an entry in ClinVar:

NM_001165963.4(SCN1A):c.3769A>C (p.Lys1257Gln)

Genes: SCN1A (sodium voltage-gated channel alpha subunit 1; minus strand), LOC102724058 (uncharacterized LOC102724058; plus strand). Cytogenetic location: 2q24.3.
Variant type: single nucleotide variant.
Coding change: c.3769A>C on transcript NM_001165963.4 (MANE Select); coding-DNA position 3769, A replaced by C.
Protein change: p.Lys1257Gln; replaces lysine 1257 with glutamine.
Molecular consequence: missense variant. On other transcripts: non-coding transcript variant (1).
Genome position (GRCh38, 1-based): chr2:166,012,219, T>G on the plus strand (A>C on the coding strand, the complement: SCN1A is on the minus strand). VCF-style: chr2-166012219-T-G. GRCh37 (hg19) VCF-style: chr2-166868729-T-G.
Other names: c.3685A>C, p.Lys1229Gln (NM_001165964.3, NM_001353957.2, NM_001353958.2); c.3769A>C, p.Lys1257Gln (NM_001202435.3, NM_001353948.2); c.3736A>C, p.Lys1246Gln (NM_001353949.2, NM_001353950.2, NM_001353951.2 and 2 more transcripts); c.3733A>C, p.Lys1245Gln (NM_001353954.2, NM_001353955.2); c.3682A>C, p.Lys1228Gln (NM_001353960.2); c.1327A>C, p.Lys443Gln (NM_001353961.2); short protein forms K1228Q, K1229Q, K1245Q, K1246Q, K1257Q, K443Q.
Identifiers: ClinVar variation 3634024 (VCV003634024.2).
Genomic context (GRCh38, chr2:166,012,219, plus strand): 5'-GATAGCCATATGCCACCCATTTTAGAAGCATTTCCAGAATGAAAATGTAAGTGAAAACCT[T>G]GTCAGCATATTCCAACATCGTCTTAATCGTCTTTCGCTGATCAATATATATATCTTCAAA-3'
Protein context (NP_001159435.1, residues 1247-1267): TIKTMLEYAD[Lys1257Gln]VFTYIFILEM

ClinVar aggregate classification (germline): Uncertain significance (1 of 4 stars; one submission).

Conditions:
Early-infantile DEE. Also called: Early infantile epileptic encephalopathy; Ohtahara syndrome; Early infantile epileptic encephalopathy with suppression bursts. Identifiers: Orphanet 1934, MedGen C0393706, MONDO:0800491.

Submission:

Labcorp Genetics (formerly Invitae), Labcorp
Classification: Uncertain significance for Early-infantile DEE. Last evaluated: 2024-09-19. Review status: criteria provided, single submitter. Criteria: Invitae Variant Classification Sherloc (09022015). Collection method: clinical testing. Allele origin: germline.
Comment: This sequence change replaces lysine, which is basic and polar, with glutamine, which is neutral and polar, at codon 1257 of the SCN1A protein (p.Lys1257Gln). This variant is not present in population databases (gnomAD no frequency). This variant has not been reported in the literature in individuals affected with SCN1A-related conditions. Invitae Evidence Modeling of protein sequence and biophysical properties (such as structural, functional, and spatial information, amino acid conservation, physicochemical variation, residue mobility, and thermodynamic stability) indicates that this missense variant is expected to disrupt SCN1A protein function with a positive predictive value of 95%. In summary, the available evidence is currently insufficient to determine the role of this variant in disease. Therefore, it has been classified as a Variant of Uncertain Significance.